The following is an entry in ClinVar:

ClinVar aggregate classification (germline): Likely benign. Review status: criteria provided, multiple submitters, no conflicts (2 of 4 stars). 3 submissions from 3 submitters: Likely benign (3). Last evaluated 2026-01-24.

Conditions:
Hereditary cancer-predisposing syndrome. Also called: Neoplastic Syndromes, Hereditary; Hereditary Cancer Syndrome; Hereditary neoplastic syndrome; Tumor predisposition. Identifiers: Orphanet 140162, MedGen C0027672, MeSH D009386, MONDO:0015356.
Familial adenomatous polyposis 2. Also called: ADENOMAS, MULTIPLE COLORECTAL, AUTOSOMAL RECESSIVE; MYH-associated polyposis; Adenomas, multiple colorectal; MUTYH Polyposis; COLORECTAL ADENOMATOUS POLYPOSIS, AUTOSOMAL RECESSIVE; FAP type 2. Identifiers: Orphanet 220460, Orphanet 247798, MedGen C3272841, MONDO:0012041, OMIM 608456.

Allele frequency attached by ClinVar (database versions not stated): ExAC 0.00001; gnomAD 0.00001 and 0.00003; gnomAD exomes 0.00001; TOPMed 0.00002.
gnomAD v4.1: 17 of 1,613,416 alleles (0.0011%); highest among the groups gnomAD compares: African/African-American, 0.0067%; no homozygotes.

Submissions (3):

Labcorp Genetics (formerly Invitae), Labcorp
Classification: Likely benign for Familial adenomatous polyposis 2. Last evaluated: 2026-01-24. Review status: criteria provided, single submitter. Criteria: Invitae Variant Classification Sherloc (09022015). Collection method: clinical testing. Allele origin: germline.

GeneDx
Classification: Likely benign. Last evaluated: 2017-11-01. Review status: criteria provided, single submitter. Criteria: GeneDx Variant Classification (06012015). Collection method: clinical testing. Allele origin: germline. Affected: yes.
Comment: This variant is considered likely benign or benign based on one or more of the following criteria: it is a conservative change, it occurs at a poorly conserved position in the protein, it is predicted to be benign by multiple in silico algorithms, and/or has population frequency not consistent with disease.

Color Diagnostics, LLC DBA Color Health
Classification: Likely benign for Hereditary cancer-predisposing syndrome. Last evaluated: 2017-05-07. Review status: criteria provided, single submitter. Criteria: ACMG Guidelines, 2015. Collection method: clinical testing. Allele origin: germline.

NM_001048174.2(MUTYH):c.1102+18G>A

Gene: MUTYH (mutY DNA glycosylase; minus strand). Cytogenetic location: 1p34.1.
Variant type: single nucleotide variant.
Coding change: c.1102+18G>A on transcript NM_001048174.2 (MANE Select); 18 bases into the intron after coding-DNA position 1102, G replaced by A.
Molecular consequence: intron variant.
Genome position (GRCh38, 1-based): chr1:45,331,643, C>T on the plus strand (G>A on the coding strand, the complement: MUTYH is on the minus strand). VCF-style: chr1-45331643-C-T. GRCh37 (hg19) VCF-style: chr1-45797315-C-T.
Other names: c.757+18G>A (NM_001350651.2, NM_001350650.2); c.826+18G>A (NM_001293192.2, NM_001293196.2); c.1102+18G>A (NM_001048171.2, NM_001048173.2, NM_001293195.2); c.1147+18G>A (NM_001293190.2); c.1177+18G>A (NM_012222.3); c.1186+18G>A (NM_001128425.2); c.1105+18G>A (NM_001048172.2); c.1135+18G>A (NM_001293191.2).
Identifiers: ClinVar variation 386694 (VCV000386694.11), dbSNP rs760430312, ClinGen allele CA055283.